The following is an entry in ClinVar:

NC_012920.1(MT-RNR1):m.1375C>T

Gene: MT-RNR1 (mitochondrially encoded 12S RNA; plus strand).
Variant type: single nucleotide variant.
Genome position: chrM-1375-C-T.
Identifiers: ClinVar variation 179340 (VCV000179340.4), dbSNP rs727504803, ClinGen allele CA184229.

ClinVar aggregate classification (germline): Uncertain significance (1 of 4 stars; one submission).

Submission:

Laboratory for Molecular Medicine, Mass General Brigham Personalized Medicine
Classification: Uncertain significance. Last evaluated: 2013-10-05. Review status: criteria provided, single submitter. Criteria: LMM Criteria. Collection method: clinical testing. Allele origin: germline. Observed: 1 variant allele.
Comment: Variant classified as Uncertain Significance - Favor Benign. The m.1375C>T varia nt in MT-RNR1 has not been reported in individuals with hearing loss, but it was identified in 18.0% (2/11) of New Guinean mitochondrial genomes (Ingman 2003) a nd 2.1% (1/48) of Chinese mitochondrial genomes (Kong 2006) in mitochondrial evo lutionary phylogeny studies (Human Mitochondrial Genome Database: b.igp.uu.se; Human Mitochondrial Database). However, frequency of this variant in a larger cohort from these populations is needed to confidently rule out pathogenicity. In summary, the clinical signific ance of this variant cannot be determined; however, based on the current frequen cy data, we would lean towards a likely benign role.

Literature cited by the submitters: PubMed 16714301; PubMed 12840039.